The following is an entry in ClinVar:

ClinVar aggregate classification (germline): Likely benign. Review status: criteria provided, multiple submitters, no conflicts (2 of 4 stars). 2 submissions from 2 submitters: Likely benign (2). Last evaluated 2024-06-01.

Conditions:
Early-infantile DEE. Also called: Early infantile epileptic encephalopathy with suppression bursts; Early infantile epileptic encephalopathy; Ohtahara syndrome. Identifiers: Orphanet 1934, MedGen C0393706, MONDO:0800491.

Allele frequency attached by ClinVar (database versions not stated): gnomAD exomes below 0.00001; gnomAD 0.00001.
gnomAD v4.1: 4 of 1,613,748 alleles (0.00025%); highest among the groups gnomAD compares: South Asian, 0.0033%; no homozygotes.

Submissions (2):

CeGaT Center for Human Genetics Tuebingen
Classification: Likely benign. Last evaluated: 2024-06-01. Review status: criteria provided, single submitter. Criteria: CeGaT Center For Human Genetics Tuebingen Variant Classification Criteria Version 2. Collection method: clinical testing. Allele origin: germline. Affected: yes. Observed: 1 variant allele.
Comment: SCN8A: BP4, BP7

Labcorp Genetics (formerly Invitae), Labcorp
Classification: Likely benign for Early-infantile DEE. Last evaluated: 2024-01-17. Review status: criteria provided, single submitter. Criteria: Invitae Variant Classification Sherloc (09022015). Collection method: clinical testing. Allele origin: germline.

NM_001330260.2(SCN8A):c.2163A>G (p.Pro721=)

Gene: SCN8A (sodium voltage-gated channel alpha subunit 8; plus strand). Cytogenetic location: 12q13.13.
Variant type: single nucleotide variant.
Coding change: c.2163A>G on transcript NM_001330260.2 (MANE Select); coding-DNA position 2163, A replaced by G.
Protein change: p.Pro721=; no amino-acid change (proline 721 retained).
Molecular consequence: synonymous variant.
Genome position (GRCh38, 1-based): chr12:51,751,386, A>G. VCF-style: chr12-51751386-A-G. GRCh37 (hg19) VCF-style: chr12-52145170-A-G.
Other names: c.2163A>G, p.Pro721= (NM_001177984.3, NM_001369788.1, NM_014191.4).
Identifiers: ClinVar variation 2732100 (VCV002732100.21), dbSNP rs1245053062, ClinGen allele CA480060922.